The following is an entry in ClinVar:

ClinVar aggregate classification (germline): Likely pathogenic. Review status: criteria provided, multiple submitters, no conflicts (2 of 4 stars). 3 submissions from 3 submitters: Likely pathogenic (3). Last evaluated 2024-12-04.

Conditions:
Retinal dystrophy. Also called: Inherited retinal dystrophy. Identifiers: Orphanet 71862, MedGen C0854723, MeSH D058499, MONDO:0019118, HP:0000556.

gnomAD v4.1: 1 of 1,612,436 alleles (0.000062%); highest among the groups gnomAD compares: Non-Finnish European, 0.000085%; no homozygotes.

Submissions (3):

GeneDx
Classification: Likely pathogenic. Last evaluated: 2024-12-04. Review status: criteria provided, single submitter. Criteria: GeneDx Variant Classification Process June 2021. Collection method: clinical testing. Allele origin: germline. Affected: yes.
Comment: Not observed at significant frequency in large population cohorts (gnomAD); In silico analysis supports that this missense variant has a deleterious effect on protein structure/function; This variant is associated with the following publications: (PMID: 32967234, 31960170, 38630375, 23885164)

Institute of Human Genetics, Univ. Regensburg, Univ. Regensburg
Classification: Likely pathogenic for Retinal dystrophy. Last evaluated: 2022-01-01. Review status: criteria provided, single submitter. Criteria: ACMG Guidelines, 2015. Collection method: clinical testing. Allele origin: germline. Affected: yes.

CeGaT Center for Human Genetics Tuebingen
Classification: Likely pathogenic. Last evaluated: 2019-09-01. Review status: criteria provided, single submitter. Criteria: CeGaT Center For Human Genetics Tuebingen Variant Classification Criteria Version 2. Collection method: clinical testing. Allele origin: germline. Affected: yes. Observed: 1 variant allele.

Literature cited by the submitters: PubMed 31960170 (cited by Institute of Human Genetics, Univ. Regensburg, Univ. Regensburg).

NM_133497.4(KCNV2):c.530G>C (p.Cys177Ser)

Gene: KCNV2 (potassium voltage-gated channel modifier subfamily V member 2; plus strand). Cytogenetic location: 9p24.2.
Variant type: single nucleotide variant.
Coding change: c.530G>C on transcript NM_133497.4 (MANE Select); coding-DNA position 530, G replaced by C.
Protein change: p.Cys177Ser; replaces cysteine 177 with serine.
Molecular consequence: missense variant.
Genome position (GRCh38, 1-based): chr9:2,718,269, G>C. VCF-style: chr9-2718269-G-C. GRCh37 (hg19) VCF-style: chr9-2718269-G-C.
Other names: c.530G>C (NM_133497.3); short protein forms C177S.
Identifiers: ClinVar variation 872502 (VCV000872502.42), dbSNP rs1819778622, ClinGen allele CA372798324.